The following is an entry in ClinVar:

NM_022450.5(RHBDF1):c.1108C>T (p.Pro370Ser)

Gene: RHBDF1 (rhomboid 5 homolog 1; minus strand). Cytogenetic location: 16p13.3.
Variant type: single nucleotide variant.
Coding change: c.1108C>T on transcript NM_022450.5 (MANE Select); coding-DNA position 1108, C replaced by T.
Protein change: p.Pro370Ser; replaces proline 370 with serine.
Molecular consequence: missense variant.
Genome position (GRCh38, 1-based): chr16:61,898, G>A on the plus strand (C>T on the coding strand, the complement: RHBDF1 is on the minus strand). VCF-style: chr16-61898-G-A. GRCh37 (hg19) VCF-style: chr16-111896-G-A.
Other names: short protein forms P370S.
Identifiers: ClinVar variation 2645768 (VCV002645768.24), dbSNP rs2542719379, ClinGen allele CA394013651.
Genomic context (GRCh38, chr16:61,898, plus strand): 5'-TGTCGATGCGCTTGCGGTAGGTGCGGTTGGTGAGCCGTCCCACCATGCCCAGCCCATACG[G>A]CCGCTTCTCCCGGGCGAAGAGCTTGCGCACCGGCACCGCGATACGCTGGCCCCGTCGCGG-3'
Protein context (NP_071895.3, residues 360-380): VRKLFAREKR[Pro370Ser]YGLGMVGRLT

ClinVar aggregate classification (germline): Uncertain significance (1 of 4 stars; one submission).

Allele frequency attached by ClinVar (database versions not stated): gnomAD exomes below 0.00001.

Submission:

CeGaT Center for Human Genetics Tuebingen
Classification: Uncertain significance. Last evaluated: 2022-12-01. Review status: criteria provided, single submitter. Criteria: CeGaT Center For Human Genetics Tuebingen Variant Classification Criteria Version 2. Collection method: clinical testing. Allele origin: germline. Affected: yes. Observed: 1 variant allele.
Comment: RHBDF1: PM2